The following is an entry in ClinVar:

ClinVar aggregate classification (germline): Benign (1 of 4 stars; one submission).

Conditions:
Methylmalonic aciduria, cblA type (MACA). Also called: Methylmalonic aciduria, vitamin b12-responsive, due to defect in synthesis of adenosylcobalamin, cbla complementation type; MMA cbl A type; Methylmalonic acidemia cblA type; Methylmalonic aciduria, vitamin B12-responsive; Vitamin B12-responsive methylmalonic acidemia type cblA. Identifiers: Orphanet 28, Orphanet 79310, MedGen C1855109, MONDO:0009613, OMIM 251100.

Allele frequency attached by ClinVar (database versions not stated): 1000 Genomes Project 0.01158; 1000 Genomes Project 30x 0.01218; gnomAD 0.01219 and 0.01301; TOPMed 0.01405.

Submission:

Illumina Laboratory Services, Illumina
Classification: Benign for Methylmalonic aciduria, cblA type. Last evaluated: 2018-01-12. Review status: criteria provided, single submitter. Criteria: ICSL Variant Classification Criteria 13 December 2019. Collection method: clinical testing. Allele origin: germline.
Comment: This variant was observed in the ICSL laboratory as part of a predisposition screen in an ostensibly healthy population. It had not been previously curated by ICSL or reported in the Human Gene Mutation Database (HGMD: prior to June 1st, 2018), and was therefore a candidate for classification through an automated scoring system. Utilizing variant allele frequency, disease prevalence and penetrance estimates, and inheritance mode, an automated score was calculated to assess if this variant is too frequent to cause the disease. Based on the score and internal cut-off values, a variant classified as benign is not then subjected to further curation. The score for this variant resulted in a classification of benign for this disease.

NM_172250.3(MMAA):c.*1782A>G

Gene: MMAA (metabolism of cobalamin associated A; plus strand). Cytogenetic location: 4q31.21.
Variant type: single nucleotide variant.
Coding change: c.*1782A>G on transcript NM_172250.3 (MANE Select); 1782 bases downstream of the stop codon, A replaced by G.
Molecular consequence: 3 prime UTR variant.
Genome position (GRCh38, 1-based): chr4:145,657,216, A>G. VCF-style: chr4-145657216-A-G. GRCh37 (hg19) VCF-style: chr4-146578368-A-G.
Identifiers: ClinVar variation 347630 (VCV000347630.5), dbSNP rs114134771, ClinGen allele CA10617118.
Genomic context (GRCh38, chr4:145,657,216, plus strand): 5'-CTTTTGTTAGCTTTAATTTTAAGGCTAAAAGCATTTCTTCTCAGTTTGAACTACTTTTAA[A>G]TGTTATAAATGTCATCATAAAAATCATTAGAAAACTCATTTCTCCTTATGTTGTCGTTGT-3'